The following is an entry in ClinVar:

ClinVar aggregate classification (germline): Uncertain significance (1 of 4 stars; one submission).

Conditions:
Progressive myoclonic epilepsy type 5. Identifiers: Orphanet 402082, MedGen C5190799.

Submission:

Labcorp Genetics (formerly Invitae), Labcorp
Classification: Uncertain significance for Progressive myoclonic epilepsy type 5. Last evaluated: 2024-10-24. Review status: criteria provided, single submitter. Criteria: Invitae Variant Classification Sherloc (09022015). Collection method: clinical testing. Allele origin: germline.
Comment: This sequence change replaces aspartic acid, which is acidic and polar, with glutamic acid, which is acidic and polar, at codon 574 of the PRICKLE2 protein (p.Asp574Glu). This variant is not present in population databases (gnomAD no frequency). This variant has not been reported in the literature in individuals affected with PRICKLE2-related conditions. Invitae Evidence Modeling of protein sequence and biophysical properties (such as structural, functional, and spatial information, amino acid conservation, physicochemical variation, residue mobility, and thermodynamic stability) indicates that this missense variant is not expected to disrupt PRICKLE2 protein function with a negative predictive value of 80%. In summary, the available evidence is currently insufficient to determine the role of this variant in disease. Therefore, it has been classified as a Variant of Uncertain Significance.

NM_198859.4(PRICKLE2):c.1722C>G (p.Asp574Glu)

Genes: PRICKLE2 (prickle planar cell polarity protein 2; minus strand), PRICKLE2-AS1 (PRICKLE2 antisense RNA 1; plus strand). Cytogenetic location: 3p14.1.
Variant type: single nucleotide variant.
Coding change: c.1722C>G on transcript NM_198859.4 (MANE Select); coding-DNA position 1722, C replaced by G.
Protein change: p.Asp574Glu; replaces aspartic acid 574 with glutamic acid.
Molecular consequence: missense variant. On other transcripts: non-coding transcript variant (1).
Genome position (GRCh38, 1-based): chr3:64,099,864, G>C on the plus strand (C>G on the coding strand, the complement: PRICKLE2 is on the minus strand). VCF-style: chr3-64099864-G-C. GRCh37 (hg19) VCF-style: chr3-64085540-G-C.
Other names: c.1722C>G, p.Asp574Glu (NM_001370528.1); short protein forms D574E.
Identifiers: ClinVar variation 2832578 (VCV002832578.3), dbSNP rs2471101831, ClinGen allele CA353428220.
Genomic context (GRCh38, chr3:64,099,864, plus strand): 5'-GTTAAGAGTGCCCATGTTGCTCAGCTTCTCAGACACATTCATTCCAGAGTCTTTGCTGAG[G>C]TCAGGCATGGAAAATCGGGATAGGTGCTCCTGGCGCTTGGCACCACCATCAGCAGAGAGG-3'
Protein context (NP_942559.1, residues 564-584): QEHLSRFSMP[Asp574Glu]LSKDSGMNVS